The following is an entry in ClinVar:

ClinVar aggregate classification (germline): Uncertain significance. Review status: criteria provided, multiple submitters, no conflicts (2 of 4 stars). 2 submissions from 2 submitters: Uncertain significance (2). Last evaluated 2024-10-07.

gnomAD v4.1: 1 of 1,613,978 alleles (0.000062%); highest among the groups gnomAD compares: Non-Finnish European, 0.000085%; no homozygotes.

Submissions (2):

GeneDx
Classification: Uncertain significance. Last evaluated: 2024-10-07. Review status: criteria provided, single submitter. Criteria: GeneDx Variant Classification Process June 2021. Collection method: clinical testing. Allele origin: germline. Affected: yes.
Comment: Not observed at significant frequency in large population cohorts (gnomAD); In silico analysis supports that this missense variant has a deleterious effect on protein structure/function; Has not been previously published as pathogenic or benign to our knowledge

Blueprint Genetics
Classification: Uncertain significance. Last evaluated: 2024-02-09. Review status: criteria provided, single submitter. Criteria: ACMG Guidelines, 2015. Collection method: clinical testing. Allele origin: germline.

NM_001303256.3(MORC2):c.1072C>G (p.Arg358Gly)

Gene: MORC2 (MORC family CW-type zinc finger 2; minus strand). Cytogenetic location: 22q12.2.
Variant type: single nucleotide variant.
Coding change: c.1072C>G on transcript NM_001303256.3 (MANE Select); coding-DNA position 1072, C replaced by G.
Protein change: p.Arg358Gly; replaces arginine 358 with glycine.
Molecular consequence: missense variant.
Genome position (GRCh38, 1-based): chr22:30,939,622, G>C on the plus strand (C>G on the coding strand, the complement: MORC2 is on the minus strand). VCF-style: chr22-30939622-G-C. GRCh37 (hg19) VCF-style: chr22-31335609-G-C.
Other names: c.1072C>G, p.Arg358Gly (NM_001303257.2); c.886C>G, p.Arg296Gly (NM_014941.3); short protein forms R296G, R358G.
Identifiers: ClinVar variation 3776396 (VCV003776396.2).
Genomic context (GRCh38, chr22:30,939,622, plus strand): 5'-AATAATCAGTCCAAAAGCTACGTCAGTTTAAAAGATCCAAGGACAGGCCTGGCACTCACC[G>C]CTGCTTGGCCTCCTTGATCCTCTTCTTGACATCGGCTTCTCTGCGCAGAGTGATGGCTCT-3'
Protein context (NP_001290185.1, residues 348-368): VKKRIKEAKQ[Arg358Gly]ALKEPKELNF